The following is an entry in ClinVar:

ClinVar aggregate classification (germline): Uncertain significance (1 of 4 stars; one submission).

gnomAD v4.1: 1 of 1,378,994 alleles (0.000073%); highest among the groups gnomAD compares: Admixed American, 0.0037%; no homozygotes.

Submission:

GeneDx
Classification: Uncertain significance. Last evaluated: 2023-11-18. Review status: criteria provided, single submitter. Criteria: GeneDx Variant Classification Process June 2021. Collection method: clinical testing. Allele origin: germline. Affected: yes.
Comment: Has not been previously published as pathogenic or benign to our knowledge; Not observed in large population cohorts (gnomAD); In silico analysis supports that this missense variant does not alter protein structure/function

NM_015570.4(AUTS2):c.109G>T (p.Gly37Cys)

Genes: AUTS2 (activator of transcription and developmental regulator AUTS2; plus strand), LOC129998550 (ATAC-STARR-seq lymphoblastoid silent region 18224; plus strand). Cytogenetic location: 7q11.22.
Variant type: single nucleotide variant.
Coding change: c.109G>T on transcript NM_015570.4 (MANE Select); coding-DNA position 109, G replaced by T.
Protein change: p.Gly37Cys; replaces glycine 37 with cysteine.
Molecular consequence: missense variant.
Genome position (GRCh38, 1-based): chr7:69,599,762, G>T. VCF-style: chr7-69599762-G-T. GRCh37 (hg19) VCF-style: chr7-69064748-G-T.
Other names: c.109G>T, p.Gly37Cys (NM_001127231.3, NM_001127232.3); short protein forms G37C.
Identifiers: ClinVar variation 3340956 (VCV003340956.1).